The following is an entry in ClinVar:

NM_002691.4(POLD1):c.827G>A (p.Arg276Lys)

Gene: POLD1 (DNA polymerase delta 1, catalytic subunit; plus strand). Cytogenetic location: 19q13.33.
Variant type: single nucleotide variant.
Coding change: c.827G>A on transcript NM_002691.4 (MANE Select); coding-DNA position 827, G replaced by A.
Protein change: p.Arg276Lys; replaces arginine 276 with lysine.
Molecular consequence: missense variant. On other transcripts: non-coding transcript variant (1).
Genome position (GRCh38, 1-based): chr19:50,402,522, G>A. VCF-style: chr19-50402522-G-A. GRCh37 (hg19) VCF-style: chr19-50905779-G-A.
Other names: c.827G>A (NM_002691.2); c.827G>A, p.Arg276Lys (NM_001308632.1, NM_001256849.1); short protein forms R276K.
Identifiers: ClinVar variation 3626851 (VCV003626851.3).
Genomic context (GRCh38, chr19:50,402,522, plus strand): 5'-TGGACACGGACATCGTCGGCTGCAACTGGCTGGAGCTCCCAGCTGGGAAATACGCCCTGA[G>A]GCTGAAGGAGAAGGTGCAGGGCTTCCCAGGGCAGGGCTGGGTGGGGAGCTGGTACCCTGC-3'
Protein context (NP_002682.2, residues 266-286): LELPAGKYAL[Arg276Lys]LKEKATQCQL

ClinVar aggregate classification (germline): Uncertain significance. Review status: criteria provided, multiple submitters, no conflicts (2 of 4 stars). 2 submissions from 2 submitters: Uncertain significance (2). Last evaluated 2025-12-07.

Conditions:
Hereditary cancer-predisposing syndrome. Also called: Neoplastic Syndromes, Hereditary; Tumor predisposition; Hereditary Cancer Syndrome; Hereditary neoplastic syndrome. Identifiers: Orphanet 140162, MedGen C0027672, MeSH D009386, MONDO:0015356.
POLD1-related polyposis and colorectal cancer syndrome (CRCS10). Also called: Colorectal cancer 10; COLORECTAL CANCER, SUSCEPTIBILITY TO, ON CHROMOSOME 19q; Colorectal cancer, susceptibility to, 10. Identifiers: Orphanet 220460, MedGen C2675481, MONDO:0012953, OMIM 612591.

Submissions (2):

Ambry Genetics
Classification: Uncertain significance for Hereditary cancer-predisposing syndrome. Last evaluated: 2025-12-07. Review status: criteria provided, single submitter. Criteria: Ambry Variant Classification Scheme 2023. Collection method: clinical testing. Allele origin: germline.
Comment: The p.R276K variant (also known as c.827G>A), located in coding exon 6 of the POLD1 gene, results from a G to A substitution at nucleotide position 827. The arginine at codon 276 is replaced by lysine, an amino acid with highly similar properties. This amino acid position is conserved. In addition, this alteration is predicted to be tolerated by in silico analysis. Based on the available evidence, the clinical significance of this variant remains unclear.

Labcorp Genetics (formerly Invitae), Labcorp
Classification: Uncertain significance for POLD1-related polyposis and colorectal cancer syndrome. Last evaluated: 2024-05-15. Review status: criteria provided, single submitter. Criteria: Invitae Variant Classification Sherloc (09022015). Collection method: clinical testing. Allele origin: germline.
Comment: This sequence change replaces arginine, which is basic and polar, with lysine, which is basic and polar, at codon 276 of the POLD1 protein (p.Arg276Lys). This variant is not present in population databases (gnomAD no frequency). This variant has not been reported in the literature in individuals affected with POLD1-related conditions. Advanced modeling of protein sequence and biophysical properties (such as structural, functional, and spatial information, amino acid conservation, physicochemical variation, residue mobility, and thermodynamic stability) performed at Invitae indicates that this missense variant is not expected to disrupt POLD1 protein function with a negative predictive value of 80%. In summary, the available evidence is currently insufficient to determine the role of this variant in disease. Therefore, it has been classified as a Variant of Uncertain Significance.